The following is an entry in ClinVar:

NM_004963.4(GUCY2C):c.2815C>T (p.Arg939Cys)

Genes: GUCY2C (guanylate cyclase 2C; minus strand), PLBD1-AS1 (PLBD1 antisense RNA 1; plus strand). Cytogenetic location: 12p12.3.
Variant type: single nucleotide variant.
Coding change: c.2815C>T on transcript NM_004963.4 (MANE Select); coding-DNA position 2815, C replaced by T.
Protein change: p.Arg939Cys; replaces arginine 939 with cysteine.
Molecular consequence: missense variant. On other transcripts: non-coding transcript variant (1).
Genome position (GRCh38, 1-based): chr12:14,619,271, G>A on the plus strand (C>T on the coding strand, the complement: GUCY2C is on the minus strand). VCF-style: chr12-14619271-G-A. GRCh37 (hg19) VCF-style: chr12-14772205-G-A.
Other names: short protein forms R939C.
Identifiers: ClinVar variation 1963413 (VCV001963413.5), dbSNP rs1474482729, ClinGen allele CA383993219.

ClinVar aggregate classification (germline): Uncertain significance (1 of 4 stars; one submission).

Allele frequency attached by ClinVar (database versions not stated): gnomAD 0.00001; gnomAD exomes 0.00001; TOPMed 0.00002.
gnomAD v4.1: 8 of 1,612,694 alleles (0.0005%); highest among the groups gnomAD compares: African/African-American, 0.0027%; no homozygotes.

Submission:

Labcorp Genetics (formerly Invitae), Labcorp
Classification: Uncertain significance. Last evaluated: 2022-04-09. Review status: criteria provided, single submitter. Criteria: Invitae Variant Classification Sherloc (09022015). Collection method: clinical testing. Allele origin: germline.
Comment: This sequence change replaces arginine, which is basic and polar, with cysteine, which is neutral and slightly polar, at codon 939 of the GUCY2C protein (p.Arg939Cys). In summary, the available evidence is currently insufficient to determine the role of this variant in disease. Therefore, it has been classified as a Variant of Uncertain Significance. Algorithms developed to predict the effect of sequence changes on RNA splicing suggest that this variant may disrupt the consensus splice site. Algorithms developed to predict the effect of missense changes on protein structure and function are either unavailable or do not agree on the potential impact of this missense change (SIFT: "Deleterious"; PolyPhen-2: "Probably Damaging"; Align-GVGD: "Class C0"). This variant has not been reported in the literature in individuals affected with GUCY2C-related conditions. This variant is present in population databases (no rsID available, gnomAD 0.003%).